The following is an entry in ClinVar:

ClinVar aggregate classification (germline): Likely benign (1 of 4 stars; one submission).

Conditions:
IFT172-related disorder. Also called: IFT172-related disorders; IFT172-related condition.

Submission:

PreventionGenetics, part of Exact Sciences
Classification: Likely benign for IFT172-related condition. Last evaluated: 2025-03-12. Review status: criteria provided, single submitter. Criteria: ACMG Guidelines, 2015. Collection method: clinical testing. Allele origin: germline.
Comment: This variant is classified as likely benign based on ACMG/AMP sequence variant interpretation guidelines (Richards et al. 2015 PMID: 25741868, with internal and published modifications).

NM_015662.3(IFT172):c.2061T>A (p.Arg687=)

Gene: IFT172 (intraflagellar transport 172; minus strand). Cytogenetic location: 2p23.3.
Variant type: single nucleotide variant.
Coding change: c.2061T>A on transcript NM_015662.3 (MANE Select); coding-DNA position 2061, T replaced by A.
Protein change: p.Arg687=; no amino-acid change (arginine 687 retained).
Molecular consequence: synonymous variant.
Genome position (GRCh38, 1-based): chr2:27,462,755, A>T on the plus strand (T>A on the coding strand, the complement: IFT172 is on the minus strand). VCF-style: chr2-27462755-A-T. GRCh37 (hg19) VCF-style: chr2-27685622-A-T.
Other names: c.1995T>A, p.Arg665= (NM_001410739.1).
Identifiers: ClinVar variation 5001457 (VCV005001457.1).